The following is an entry in ClinVar:

ClinVar aggregate classification (germline): Uncertain significance (1 of 4 stars; one submission).

Submission:

GeneDx
Classification: Uncertain significance. Last evaluated: 2024-01-04. Review status: criteria provided, single submitter. Criteria: GeneDx Variant Classification Process June 2021. Collection method: clinical testing. Allele origin: germline. Affected: yes.
Comment: Not observed at significant frequency in large population cohorts (gnomAD); In silico analysis supports that this missense variant has a deleterious effect on protein structure/function; Has not been previously published as pathogenic or benign to our knowledge

NM_004958.4(MTOR):c.6860T>C (p.Phe2287Ser)

Gene: MTOR (mechanistic target of rapamycin kinase; minus strand). Cytogenetic location: 1p36.22.
Variant type: single nucleotide variant.
Coding change: c.6860T>C on transcript NM_004958.4 (MANE Select); coding-DNA position 6860, T replaced by C.
Protein change: p.Phe2287Ser; replaces phenylalanine 2287 with serine.
Molecular consequence: missense variant.
Genome position (GRCh38, 1-based): chr1:11,121,319, A>G on the plus strand (T>C on the coding strand, the complement: MTOR is on the minus strand). VCF-style: chr1-11121319-A-G. GRCh37 (hg19) VCF-style: chr1-11181376-A-G.
Other names: c.6860T>C, p.Phe2287Ser (NM_001386500.1); c.5612T>C, p.Phe1871Ser (NM_001386501.1); short protein forms F1871S, F2287S.
Identifiers: ClinVar variation 3367554 (VCV003367554.1).